The following is an entry in ClinVar:

ClinVar aggregate classification (germline): Likely benign (1 of 4 stars; one submission).

Allele frequency attached by ClinVar (database versions not stated): ESP Exome Variant Server 0.00146; gnomAD 0.00177; 1000 Genomes Project 30x 0.00281; 1000 Genomes Project 0.00300.
gnomAD v4.1: 3,227 of 1,605,556 alleles (0.2%); highest among the groups gnomAD compares: South Asian, 0.82%; 11 homozygotes.

Submission:

CeGaT Center for Human Genetics Tuebingen
Classification: Likely benign. Last evaluated: 2023-03-01. Review status: criteria provided, single submitter. Criteria: CeGaT Center For Human Genetics Tuebingen Variant Classification Criteria Version 2. Collection method: clinical testing. Allele origin: germline. Affected: yes. Observed: 1 variant allele.
Comment: GPRC5C: BP4, BS2

NM_022036.4(GPRC5C):c.1144C>A (p.Pro382Thr)

Gene: GPRC5C (G protein-coupled receptor class C group 5 member C; plus strand). Cytogenetic location: 17q25.1.
Variant type: single nucleotide variant.
Coding change: c.1144C>A on transcript NM_022036.4 (MANE Select); coding-DNA position 1144, C replaced by A.
Protein change: p.Pro382Thr; replaces proline 382 with threonine.
Molecular consequence: missense variant.
Genome position (GRCh38, 1-based): chr17:74,443,910, C>A. VCF-style: chr17-74443910-C-A. GRCh37 (hg19) VCF-style: chr17-72440049-C-A.
Other names: c.1144C>A, p.Pro382Thr (NM_001366261.2, NM_001366262.2, NM_018653.5); short protein forms P382T.
Identifiers: ClinVar variation 2648222 (VCV002648222.24), dbSNP rs142708564, ClinGen allele CA8748169.
Genomic context (GRCh38, chr17:74,443,910, plus strand): 5'-AATGGGCAGCTGCTGACCAGTGTGTACCAGCCCACTGAGATGGCCCTGATGCACAAAGTT[C>A]CGGTAAGTGGGTTCCCCAGGTCCCCGTGACACGTCTGGGCTACAGAGACCAGCCTCAGCA-3'
Protein context (NP_071319.3, residues 372-392): PTEMALMHKV[Pro382Thr]SEGAYDIILP